The following is an entry in ClinVar:

NM_007294.4(BRCA1):c.2822A>G (p.Asn941Ser)

Gene: BRCA1 (BRCA1 DNA repair associated; minus strand). Cytogenetic location: 17q21.31.
Variant type: single nucleotide variant.
Coding change: c.2822A>G on transcript NM_007294.4 (MANE Select); coding-DNA position 2822, A replaced by G.
Protein change: p.Asn941Ser; replaces asparagine 941 with serine.
Molecular consequence: missense variant. On other transcripts: intron variant (137).
Genome position (GRCh38, 1-based): chr17:43,092,709, T>C on the plus strand (A>G on the coding strand, the complement: BRCA1 is on the minus strand). VCF-style: chr17-43092709-T-C. GRCh37 (hg19) VCF-style: chr17-41244726-T-C.
Other names: c.2609A>G, p.Asn870Ser (NM_001407571.1, NM_001407853.1, NM_001407894.1 and 9 more transcripts); c.2822A>G, p.Asn941Ser (NM_001407581.1, NM_001407582.1, NM_001407583.1 and 30 more transcripts); c.2819A>G, p.Asn940Ser (NM_001407587.1, NM_001407590.1, NM_001407591.1 and 22 more transcripts); c.2813A>G, p.Asn938Ser (NM_001407646.1, NM_001407647.1); c.2699A>G, p.Asn900Ser (NM_001407648.1, NM_001407664.1, NM_001407665.1 and 19 more transcripts); c.2696A>G, p.Asn899Ser (NM_001407649.1, NM_001407670.1, NM_001407671.1 and 11 more transcripts); c.2744A>G, p.Asn915Ser (NM_001407653.1, NM_001407654.1, NM_001407655.1 and 4 more transcripts); c.2741A>G, p.Asn914Ser (NM_001407659.1, NM_001407660.1, NM_001407661.1 and 1 more transcripts); and 41 more; short protein forms N941S, N894S, N645S, N773S, N852S, N873S, N915S, N829S.
Identifiers: ClinVar variation 485402 (VCV000485402.19), dbSNP rs776512377, ClinGen allele CA058293.
Genomic context (GRCh38, chr17:43,092,709, plus strand): 5'-TTGCCTCTGAACTGAGATGATAGACAAAACCTAGAGCCTCCTTTGATACTACATTTGGCA[T>C]TATCAACTGGCTTATCTTTCTGACCAACCACAGGAAAGCCTGCAGTGATATTAACTGTCT-3'
Protein context (NP_009225.1, residues 931-951): VVGQKDKPVD[Asn941Ser]AKCSIKGGSR

ClinVar aggregate classification (germline): Conflicting classifications of pathogenicity. Review status: criteria provided, conflicting classifications (1 of 4 stars). 4 submissions from 4 submitters: Uncertain significance (3); Likely benign (1). Last evaluated 2024-08-23.

Conditions:
Hereditary cancer-predisposing syndrome. Also called: Neoplastic Syndromes, Hereditary; Tumor predisposition; Hereditary Cancer Syndrome; Hereditary neoplastic syndrome. Identifiers: Orphanet 140162, MedGen C0027672, MeSH D009386, MONDO:0015356.
Hereditary breast ovarian cancer syndrome. Also called: Hereditary breast and ovarian cancer syndrome; Hereditary breast and ovarian cancer; Hereditary breast and ovarian cancer syndrome (HBOC); Breast and ovarian cancer; Hereditary breast and/or ovarian cancer syndrome; BRCA1- and BRCA2-Associated Hereditary Breast and Ovarian Cancer. Identifiers: Orphanet 145, MedGen C0677776, MeSH D061325, MONDO:0003582. Disease mechanism: loss of function.

Allele frequency attached by ClinVar (database versions not stated): ExAC 0.00001.
gnomAD v4.1: 1 of 1,614,164 alleles (0.000062%); highest among the groups gnomAD compares: South Asian, 0.0011%; no homozygotes.

Submissions (4):

Quest Diagnostics Nichols Institute San Juan Capistrano
Classification: Uncertain significance. Last evaluated: 2024-08-23. Review status: criteria provided, single submitter. Criteria: Quest Diagnostics criteria. Collection method: clinical testing. Allele origin: unknown.
Comment: The BRCA1 c.2822A>G (p.Asn941Ser) variant has been reported in the published literature in a region of the BRCA1 gene that is tolerant to missense sequence changes (PMID: 31911673 (2020)). The frequency of this variant in the general population, 0.000004 (1/251268 chromosomes (Genome Aggregation Database)), is uninformative in the assessment of its pathogenicity. Analysis of this variant using bioinformatics tools for the prediction of the effect of amino acid changes on protein structure and function yielded predictions that this variant is benign. Based on the available information, we are unable to determine the clinical significance of this variant.

University of Washington Department of Laboratory Medicine, University of Washington
Classification: Likely benign for Hereditary cancer-predisposing syndrome. Last evaluated: 2023-03-23. Review status: criteria provided, single submitter. Criteria: Dines et al. (Genet Med. 2020). Collection method: curation. Allele origin: germline.
Comment: Missense variant in a coldspot region where missense variants are very unlikely to be pathogenic (PMID:31911673).

BRCA1 coldspot (exon 11 using historical exon numbering). Reclassification based on statistical prior probability

Labcorp Genetics (formerly Invitae), Labcorp
Classification: Uncertain significance for Hereditary breast ovarian cancer syndrome. Last evaluated: 2019-11-13. Review status: criteria provided, single submitter. Criteria: Invitae Variant Classification Sherloc (09022015). Collection method: clinical testing. Allele origin: germline.
Comment: This sequence change replaces asparagine with serine at codon 941 of the BRCA1 protein (p.Asn941Ser). The asparagine residue is weakly conserved and there is a small physicochemical difference between asparagine and serine. This variant is present in population databases (rs776512377, ExAC no frequency). This variant has not been reported in the literature in individuals with BRCA1-related conditions. ClinVar contains an entry for this variant (Variation ID: 485402). Algorithms developed to predict the effect of missense changes on protein structure and function (SIFT, PolyPhen-2, Align-GVGD) all suggest that this variant is likely to be tolerated, but these predictions have not been confirmed by published functional studies and their clinical significance is uncertain. In summary, the available evidence is currently insufficient to determine the role of this variant in disease. Therefore, it has been classified as a Variant of Uncertain Significance.

Ambry Genetics
Classification: Uncertain significance for Hereditary cancer-predisposing syndrome. Last evaluated: 2017-07-11. Review status: criteria provided, single submitter. Criteria: Ambry Variant Classification Scheme 2023. Collection method: clinical testing. Allele origin: germline.
Comment: The p.N941S variant (also known as c.2822A>G), located in coding exon 9 of the BRCA1 gene, results from an A to G substitution at nucleotide position 2822. The asparagine at codon 941 is replaced by serine, an amino acid with highly similar properties. This amino acid position is poorly conserved in available vertebrate species. In addition, this alteration is predicted to be tolerated by in silico analysis. Since supporting evidence is limited at this time, the clinical significance of this alteration remains unclear.

Literature cited by the submitters: PubMed 31911673 (cited by Quest Diagnostics Nichols Institute San Juan Capistrano).